The following is an entry in ClinVar:

ClinVar aggregate classification (germline): Likely benign (0 of 4 stars; one submission).

Conditions:
HDAC4-related disorder. Also called: HDAC4-related condition.

gnomAD v4.1: 40 of 1,613,642 alleles (0.0025%); highest among the groups gnomAD compares: Non-Finnish European, 0.0031%; no homozygotes.

Submission:

PreventionGenetics, part of Exact Sciences
Classification: Likely benign for HDAC4-related condition. Last evaluated: 2019-04-01. Review status: no assertion criteria provided. Collection method: clinical testing. Allele origin: germline.
Comment: This variant is classified as likely benign based on ACMG/AMP sequence variant interpretation guidelines (Richards et al. 2015 PMID: 25741868, with internal and published modifications).

NM_001378414.1(HDAC4):c.865+4T>C

Gene: HDAC4 (histone deacetylase 4; minus strand). Cytogenetic location: 2q37.3.
Variant type: single nucleotide variant.
Coding change: c.865+4T>C on transcript NM_001378414.1 (MANE Select); 4 bases into the intron after coding-DNA position 865, T replaced by C.
Molecular consequence: intron variant.
Genome position (GRCh38, 1-based): chr2:239,144,579, A>G on the plus strand (T>C on the coding strand, the complement: HDAC4 is on the minus strand). VCF-style: chr2-239144579-A-G. GRCh37 (hg19) VCF-style: chr2-240066275-A-G.
Other names: c.865+4T>C (NM_001378417.1, NM_001378415.1, NM_001378416.1 and 1 more transcripts).
Identifiers: ClinVar variation 3350177 (VCV003350177.1).